The following is an entry in ClinVar:

NM_182641.4(BPTF):c.6458C>T (p.Thr2153Ile)

Gene: BPTF (bromodomain PHD finger transcription factor; plus strand). Cytogenetic location: 17q24.2.
Variant type: single nucleotide variant.
Coding change: c.6458C>T on transcript NM_182641.4 (MANE Select); coding-DNA position 6458, C replaced by T.
Protein change: p.Thr2153Ile; replaces threonine 2153 with isoleucine.
Molecular consequence: missense variant.
Genome position (GRCh38, 1-based): chr17:67,940,637, C>T. VCF-style: chr17-67940637-C-T. GRCh37 (hg19) VCF-style: chr17-65936753-C-T.
Other names: c.6836C>T, p.Thr2279Ile (NM_004459.7); short protein forms T2279I, T2153I.
Identifiers: ClinVar variation 2761673 (VCV002761673.3), dbSNP rs2512359904, ClinGen allele CA400721593.

ClinVar aggregate classification (germline): Uncertain significance (1 of 4 stars; one submission).

Submission:

Labcorp Genetics (formerly Invitae), Labcorp
Classification: Uncertain significance. Last evaluated: 2023-11-07. Review status: criteria provided, single submitter. Criteria: Invitae Variant Classification Sherloc (09022015). Collection method: clinical testing. Allele origin: germline.
Comment: This sequence change replaces threonine, which is neutral and polar, with isoleucine, which is neutral and non-polar, at codon 2279 of the BPTF protein (p.Thr2279Ile). This variant is not present in population databases (gnomAD no frequency). This variant has not been reported in the literature in individuals affected with BPTF-related conditions. An algorithm developed to predict the effect of missense changes on protein structure and function (PolyPhen-2) suggests that this variant is likely to be disruptive. In summary, the available evidence is currently insufficient to determine the role of this variant in disease. Therefore, it has been classified as a Variant of Uncertain Significance.